The following is an entry in ClinVar:

NM_015214.3(DDHD2):c.689G>A (p.Arg230His)

Gene: DDHD2 (DDHD domain containing 2; plus strand). Cytogenetic location: 8p11.23.
Variant type: single nucleotide variant.
Coding change: c.689G>A on transcript NM_015214.3 (MANE Select); coding-DNA position 689, G replaced by A.
Protein change: p.Arg230His; replaces arginine 230 with histidine.
Molecular consequence: missense variant. On other transcripts: non-coding transcript variant (2), intron variant (1).
Genome position (GRCh38, 1-based): chr8:38,240,341, G>A. VCF-style: chr8-38240341-G-A. GRCh37 (hg19) VCF-style: chr8-38097859-G-A.
Other names: c.689G>A, p.Arg230His (NM_001164232.2, NM_001362911.2, NM_001362912.2 and 1 more transcripts); c.623-1909G>A (NM_001362913.2); short protein forms R230H.
Identifiers: ClinVar variation 4238376 (VCV004238376.2).
Genomic context (GRCh38, chr8:38,240,341, plus strand): 5'-CTTTACAAATAGATCACTTGGTTTTTGTAGTCCATGGGATTGGACCAGCTTGTGATCTCC[G>A]CTTTCGAAGCATTGTACAGTGTGGTAGGTTTGCAAAGCATGTGAGAGAATATTAATCAGT-3'
Protein context (NP_056029.2, residues 220-240): VHGIGPACDL[Arg230His]FRSIVQCVND

ClinVar aggregate classification (germline): Uncertain significance. Review status: criteria provided, multiple submitters, no conflicts (2 of 4 stars). 2 submissions from 2 submitters: Uncertain significance (2). Last evaluated 2026-04-10.

Conditions:
Inborn genetic diseases. Identifiers: MedGen C0950123, MeSH D030342.

gnomAD v4.1: 24 of 1,610,026 alleles (0.0015%); highest among the groups gnomAD compares: Admixed American, 0.0033%; no homozygotes.

Submissions (2):

GeneDx
Classification: Uncertain significance. Last evaluated: 2026-04-10. Review status: criteria provided, single submitter. Criteria: GeneDx Variant Classification Process June 2021. Collection method: clinical testing. Allele origin: germline.
Comment: In silico analysis supports that this missense variant has a deleterious effect on protein structure/function; Has not been previously published as pathogenic or benign to our knowledge

Ambry Genetics
Classification: Uncertain significance for Inborn genetic diseases. Last evaluated: 2025-07-31. Review status: criteria provided, single submitter. Criteria: Ambry Variant Classification Scheme 2023. Collection method: clinical testing. Allele origin: germline.